The following is an entry in ClinVar:

ClinVar aggregate classification (germline): Uncertain significance. Review status: criteria provided, multiple submitters, no conflicts (2 of 4 stars). 4 submissions from 4 submitters: Uncertain significance (4). Last evaluated 2023-12-20.

Conditions:
Inborn genetic diseases. Identifiers: MedGen C0950123, MeSH D030342.
Autosomal recessive limb-girdle muscular dystrophy type 2P. Also called: Limb-Girdle Muscular Dystrophy Type 9C; MUSCULAR DYSTROPHY, LIMB-GIRDLE, TYPE 2P; MUSCULAR DYSTROPHY-DYSTROGLYCANOPATHY, LIMB-GIRDLE, DAG1-RELATED. Identifiers: Orphanet 280333, MedGen C4511963, MONDO:0013440, OMIM 613818.
Muscular dystrophy-dystroglycanopathy (congenital with brain and eye anomalies), type A9. Also called: Muscular dystrophy-dystroglycanopathy (congenital with brain and eye anomalies), type a, 9; WALKER-WARBURG SYNDROME OR MUSCLE-EYE BRAIN DISEASE, DAG1-RELATED. Identifiers: Orphanet 370997, Orphanet 899, MedGen C4225291, MONDO:0014683, OMIM 616538.

Allele frequency attached by ClinVar (database versions not stated): gnomAD 0.00001; gnomAD exomes 0.00001; ExAC 0.00002; TOPMed 0.00002.
gnomAD v4.1: 35 of 1,614,008 alleles (0.0022%); highest among the groups gnomAD compares: East Asian, 0.0089%; no homozygotes.

Submissions (4):

Ambry Genetics
Classification: Uncertain significance for Inborn genetic diseases. Last evaluated: 2023-12-20. Review status: criteria provided, single submitter. Criteria: Ambry Variant Classification Scheme 2023. Collection method: clinical testing. Allele origin: germline.

Labcorp Genetics (formerly Invitae), Labcorp
Classification: Uncertain significance for Autosomal recessive limb-girdle muscular dystrophy type 2P; Muscular dystrophy-dystroglycanopathy (congenital with brain and eye anomalies), type A9. Last evaluated: 2022-05-20. Review status: criteria provided, single submitter. Criteria: Invitae Variant Classification Sherloc (09022015). Collection method: clinical testing. Allele origin: germline.
Comment: This sequence change replaces isoleucine, which is neutral and non-polar, with threonine, which is neutral and polar, at codon 208 of the DAG1 protein (p.Ile208Thr). This variant is present in population databases (rs772976299, gnomAD 0.006%). This variant has not been reported in the literature in individuals affected with DAG1-related conditions. ClinVar contains an entry for this variant (Variation ID: 497562). Algorithms developed to predict the effect of missense changes on protein structure and function output the following: SIFT: "Tolerated"; PolyPhen-2: "Benign"; Align-GVGD: "Class C0". The threonine amino acid residue is found in multiple mammalian species, which suggests that this missense change does not adversely affect protein function. In summary, the available evidence is currently insufficient to determine the role of this variant in disease. Therefore, it has been classified as a Variant of Uncertain Significance.

Revvity Omics, Revvity
Classification: Uncertain significance. Last evaluated: 2019-04-22. Review status: criteria provided, single submitter. Criteria: ACMG Guidelines, 2015. Collection method: clinical testing. Allele origin: germline.

Eurofins Ntd Llc (ga)
Classification: Uncertain significance. Last evaluated: 2016-10-07. Review status: criteria provided, single submitter. Criteria: EGL Classification Definitions 2015. Collection method: clinical testing. Allele origin: germline. Observed: 1 variant allele, 1 heterozygote.

NM_004393.6(DAG1):c.623T>C (p.Ile208Thr)

Gene: DAG1 (dystroglycan 1; plus strand). Cytogenetic location: 3p21.31.
Variant type: single nucleotide variant.
Coding change: c.623T>C on transcript NM_004393.6 (MANE Select); coding-DNA position 623, T replaced by C.
Protein change: p.Ile208Thr; replaces isoleucine 208 with threonine.
Molecular consequence: missense variant.
Genome position (GRCh38, 1-based): chr3:49,531,134, T>C. VCF-style: chr3-49531134-T-C. GRCh37 (hg19) VCF-style: chr3-49568567-T-C.
Other names: c.623T>C, p.Ile208Thr (NM_001165928.4, NM_001177634.3, NM_001177635.3 and 9 more transcripts); c.623T>C (NM_004393.4); short protein forms I208T.
Identifiers: ClinVar variation 497562 (VCV000497562.11), dbSNP rs772976299, ClinGen allele CA2398938.
Genomic context (GRCh38, chr3:49,531,134, plus strand): 5'-TGACTGTTTTGACGGTGATTTTGGATGCCGACCTCACCAAGATGACCCCAAAGCAAAGGA[T>C]TGACCTCCTGCACAGGATGCGGAGCTTCTCAGAAGTAGAGCTTCACAACATGAAATTAGT-3'
Protein context (NP_004384.5, residues 198-218): DLTKMTPKQR[Ile208Thr]DLLHRMRSFS